The following is an entry in ClinVar:

ClinVar aggregate classification (germline): Uncertain significance (1 of 4 stars; one submission).

Allele frequency attached by ClinVar (database versions not stated): gnomAD 0.00001.
gnomAD v4.1: 1 of 1,590,330 alleles (0.000063%); highest among the groups gnomAD compares: African/African-American, 0.0013%; no homozygotes.

Submission:

Labcorp Genetics (formerly Invitae), Labcorp
Classification: Uncertain significance. Last evaluated: 2023-06-18. Review status: criteria provided, single submitter. Criteria: Invitae Variant Classification Sherloc (09022015). Collection method: clinical testing. Allele origin: germline.
Comment: In summary, the available evidence is currently insufficient to determine the role of this variant in disease. Therefore, it has been classified as a Variant of Uncertain Significance. Advanced modeling of protein sequence and biophysical properties (such as structural, functional, and spatial information, amino acid conservation, physicochemical variation, residue mobility, and thermodynamic stability) performed at Invitae indicates that this missense variant is not expected to disrupt CACNA1E protein function. This variant has not been reported in the literature in individuals affected with CACNA1E-related conditions. This variant is not present in population databases (gnomAD no frequency). This sequence change replaces alanine, which is neutral and non-polar, with glutamic acid, which is acidic and polar, at codon 899 of the CACNA1E protein (p.Ala899Glu).

NM_001205293.3(CACNA1E):c.2696C>A (p.Ala899Glu)

Gene: CACNA1E (calcium voltage-gated channel subunit alpha1 E; plus strand). Cytogenetic location: 1q25.3.
Variant type: single nucleotide variant.
Coding change: c.2696C>A on transcript NM_001205293.3 (MANE Select); coding-DNA position 2696, C replaced by A.
Protein change: p.Ala899Glu; replaces alanine 899 with glutamic acid.
Molecular consequence: missense variant.
Genome position (GRCh38, 1-based): chr1:181,732,782, C>A. VCF-style: chr1-181732782-C-A. GRCh37 (hg19) VCF-style: chr1-181701918-C-A.
Other names: c.2696C>A, p.Ala899Glu (NM_000721.4); c.2639C>A, p.Ala880Glu (NM_001205294.2); short protein forms A880E, A899E.
Identifiers: ClinVar variation 2718764 (VCV002718764.3), dbSNP rs1655627328, ClinGen allele CA343618607.